The following is an entry in ClinVar:

ClinVar aggregate classification (germline): Pathogenic (1 of 4 stars; one submission).

Submission:

Labcorp Genetics (formerly Invitae), Labcorp
Classification: Pathogenic. Last evaluated: 2025-04-02. Review status: criteria provided, single submitter. Criteria: Invitae Variant Classification Sherloc (09022015). Collection method: clinical testing. Allele origin: germline.
Comment: This sequence change creates a premature translational stop signal (p.Glu968*) in the COL2A1 gene. It is expected to result in an absent or disrupted protein product. Loss-of-function variants in COL2A1 are known to be pathogenic (PMID: 20179744). This variant is not present in population databases (gnomAD no frequency). This variant has not been reported in the literature in individuals affected with COL2A1-related conditions. ClinVar contains an entry for this variant (Variation ID: 1451267). For these reasons, this variant has been classified as Pathogenic.

Literature cited by the submitters: PubMed 20179744.

NM_001844.5(COL2A1):c.2902G>T (p.Glu968Ter)

Gene: COL2A1 (collagen type II alpha 1 chain; minus strand). Cytogenetic location: 12q13.11.
Variant type: single nucleotide variant.
Coding change: c.2902G>T on transcript NM_001844.5 (MANE Select); coding-DNA position 2902, G replaced by T.
Protein change: p.Glu968Ter; replaces glutamic acid 968 with a stop codon.
Molecular consequence: nonsense.
Genome position (GRCh38, 1-based): chr12:47,978,392, C>A on the plus strand (G>T on the coding strand, the complement: COL2A1 is on the minus strand). VCF-style: chr12-47978392-C-A. GRCh37 (hg19) VCF-style: chr12-48372175-C-A.
Other names: c.2695G>T, p.Glu899Ter (NM_033150.3); short protein forms E899*, E968*.
Identifiers: ClinVar variation 1451267 (VCV001451267.6), dbSNP rs144572461, ClinGen allele CA384541587.